The following is an entry in ClinVar:

NM_001142966.3(GREB1L):c.5017A>G (p.Ser1673Gly)

Gene: GREB1L (GREB1 like retinoic acid receptor coactivator; plus strand). Cytogenetic location: 18q11.2.
Variant type: single nucleotide variant.
Coding change: c.5017A>G on transcript NM_001142966.3 (MANE Select); coding-DNA position 5017, A replaced by G.
Protein change: p.Ser1673Gly; replaces serine 1673 with glycine.
Molecular consequence: missense variant.
Genome position (GRCh38, 1-based): chr18:21,515,532, A>G. VCF-style: chr18-21515532-A-G. GRCh37 (hg19) VCF-style: chr18-19095493-A-G.
Other names: c.5146A>G, p.Ser1716Gly (NM_001410867.1); c.4690A>G, p.Ser1564Gly (NM_001410868.1); short protein forms S1564G, S1673G, S1716G.
Identifiers: ClinVar variation 2630327 (VCV002630327.7), dbSNP rs778589125, ClinGen allele CA8906719.

ClinVar aggregate classification (germline): Uncertain significance. Review status: criteria provided, multiple submitters, no conflicts (2 of 4 stars). 2 submissions from 2 submitters: Uncertain significance (2). Last evaluated 2025-11-01.

Conditions:
GREB1L-related disorder. Also called: GREB1L-related condition.

Allele frequency attached by ClinVar (database versions not stated): ExAC 0.00005; TOPMed 0.00010; 1000 Genomes Project 30x 0.00016; gnomAD exomes 0.00016; gnomAD 0.00018.
gnomAD v4.1: 255 of 1,551,664 alleles (0.016%); highest among the groups gnomAD compares: Non-Finnish European, 0.02%; no homozygotes.

Submissions (2):

CeGaT Center for Human Genetics Tuebingen
Classification: Uncertain significance. Last evaluated: 2025-11-01. Review status: criteria provided, single submitter. Criteria: CeGaT Center For Human Genetics Tuebingen Variant Classification Criteria Version 2. Collection method: clinical testing. Allele origin: germline. Affected: yes. Observed: 1 variant allele.
Comment: GREB1L: PP2, BP4

PreventionGenetics, part of Exact Sciences
Classification: Uncertain significance for GREB1L-related condition. Last evaluated: 2023-04-19. Review status: criteria provided, single submitter. Criteria: ACMG Guidelines, 2015. Collection method: clinical testing. Allele origin: germline.
Comment: The GREB1L c.5017A>G variant is predicted to result in the amino acid substitution p.Ser1673Gly. To our knowledge, this variant has not been reported in the literature. This variant is reported in 0.017% of alleles in individuals of European (Non-Finnish) descent in gnomAD. Although we suspect that this variant may be benign, at this time, the clinical significance of this variant is uncertain due to the absence of conclusive functional and genetic evidence.